The following is an entry in ClinVar:

ClinVar aggregate classification (germline): Benign/Likely benign. Review status: criteria provided, multiple submitters, no conflicts (2 of 4 stars). 3 submissions from 3 submitters: Benign (1); Likely benign (2). Last evaluated 2025-12-10.

Conditions:
Hereditary cancer-predisposing syndrome. Also called: Tumor predisposition; Hereditary Cancer Syndrome; Hereditary neoplastic syndrome; Neoplastic Syndromes, Hereditary. Identifiers: Orphanet 140162, MedGen C0027672, MeSH D009386, MONDO:0015356.
Prostate cancer, hereditary, 9 (HPC9). Identifiers: Orphanet 1331, MedGen C1970250, MONDO:0012597, OMIM 610997.

Allele frequency attached by ClinVar (database versions not stated): gnomAD exomes below 0.00001 and 0.00001; ExAC 0.00001; gnomAD 0.00001; TOPMed 0.00004; ESP Exome Variant Server 0.00008.

Submissions (3):

Labcorp Genetics (formerly Invitae), Labcorp
Classification: Likely benign. Last evaluated: 2025-12-10. Review status: criteria provided, single submitter. Criteria: Invitae Variant Classification Sherloc (09022015). Collection method: clinical testing. Allele origin: germline.

Myriad Genetics, Inc.
Classification: Benign for Prostate cancer, hereditary, 9. Last evaluated: 2024-10-30. Review status: criteria provided, single submitter. Criteria: Myriad Autosomal Dominant, Autosomal Recessive and X-Linked Classification Criteria (2023). Collection method: clinical testing. Allele origin: unknown.
Comment: This variant is considered benign. This variant is a silent/synonymous amino acid change and it is not expected to impact splicing.

Ambry Genetics
Classification: Likely benign for Hereditary cancer-predisposing syndrome. Last evaluated: 2016-11-03. Review status: criteria provided, single submitter. Criteria: Ambry Variant Classification Scheme 2023. Collection method: clinical testing. Allele origin: germline.

NM_006361.6(HOXB13):c.507C>T (p.Tyr169=)

Gene: HOXB13 (homeobox B13; minus strand). Cytogenetic location: 17q21.32.
Variant type: single nucleotide variant.
Coding change: c.507C>T on transcript NM_006361.6 (MANE Select); coding-DNA position 507, C replaced by T.
Protein change: p.Tyr169=; no amino-acid change (tyrosine 169 retained).
Molecular consequence: synonymous variant.
Genome position (GRCh38, 1-based): chr17:48,728,087, G>A on the plus strand (C>T on the coding strand, the complement: HOXB13 is on the minus strand). VCF-style: chr17-48728087-G-A. GRCh37 (hg19) VCF-style: chr17-46805449-G-A.
Identifiers: ClinVar variation 485693 (VCV000485693.15), dbSNP rs373766741, ClinGen allele CA8633976.